The following is an entry in ClinVar:

NM_001256012.3(MYH10):c.1564G>A (p.Gly522Arg)

Gene: MYH10 (myosin heavy chain 10; minus strand). Cytogenetic location: 17p13.1.
Variant type: single nucleotide variant.
Coding change: c.1564G>A on transcript NM_001256012.3 (MANE Select); coding-DNA position 1564, G replaced by A.
Protein change: p.Gly522Arg; replaces glycine 522 with arginine.
Molecular consequence: missense variant.
Genome position (GRCh38, 1-based): chr17:8,542,148, C>T on the plus strand (G>A on the coding strand, the complement: MYH10 is on the minus strand). VCF-style: chr17-8542148-C-T. GRCh37 (hg19) VCF-style: chr17-8445466-C-T.
Other names: c.1561G>A, p.Gly521Arg (NM_001256095.2); c.1564G>A, p.Gly522Arg (NM_001375266.1); c.1534G>A, p.Gly512Arg (NM_005964.5); short protein forms G521R, G512R, G522R.
Identifiers: ClinVar variation 2227380 (VCV002227380.2), dbSNP rs374910256, ClinGen allele CA287612532.

ClinVar aggregate classification (germline): Uncertain significance (1 of 4 stars; one submission).

Conditions:
Inborn genetic diseases. Identifiers: MedGen C0950123, MeSH D030342.

Allele frequency attached by ClinVar (database versions not stated): gnomAD exomes below 0.00001; TOPMed below 0.00001; gnomAD 0.00001; ESP Exome Variant Server 0.00008.
gnomAD v4.1: 2 of 1,613,984 alleles (0.00012%); highest among the groups gnomAD compares: Non-Finnish European, 0.00017%; no homozygotes.

Submission:

Ambry Genetics
Classification: Uncertain significance for Inborn genetic diseases. Last evaluated: 2024-01-17. Review status: criteria provided, single submitter. Criteria: Ambry Variant Classification Scheme 2023. Collection method: clinical testing. Allele origin: germline.
Comment: The c.1534G>A (p.G512R) alteration is located in exon 13 (coding exon 12) of the MYH10 gene. This alteration results from a G to A substitution at nucleotide position 1534, causing the glycine (G) at amino acid position 512 to be replaced by an arginine (R). This variant was not reported in population-based cohorts in the Genome Aggregation Database (gnomAD). This amino acid position is highly conserved in available vertebrate species. This alteration is predicted to be deleterious by in silico analysis. Based on insufficient or conflicting evidence, the clinical significance of this alteration remains unclear.